The following is an entry in ClinVar:

NM_007294.4(BRCA1):c.2552A>G (p.Glu851Gly)

Gene: BRCA1 (BRCA1 DNA repair associated; minus strand). Cytogenetic location: 17q21.31.
Variant type: single nucleotide variant.
Coding change: c.2552A>G on transcript NM_007294.4 (MANE Select); coding-DNA position 2552, A replaced by G.
Protein change: p.Glu851Gly; replaces glutamic acid 851 with glycine.
Molecular consequence: missense variant. On other transcripts: intron variant (137).
Genome position (GRCh38, 1-based): chr17:43,092,979, T>C on the plus strand (A>G on the coding strand, the complement: BRCA1 is on the minus strand). VCF-style: chr17-43092979-T-C. GRCh37 (hg19) VCF-style: chr17-41244996-T-C.
Other names: c.2429A>G, p.Glu810Gly (NM_001407919.1, NM_001407937.1, NM_001407938.1 and 19 more transcripts); c.2288A>G, p.Glu763Gly (NM_001407920.1, NM_001407921.1, NM_001407922.1 and 9 more transcripts); c.2285A>G, p.Glu762Gly (NM_001407930.1, NM_001407931.1, NM_001407932.1 and 2 more transcripts); c.2426A>G, p.Glu809Gly (NM_001407940.1, NM_001407941.1, NM_001407649.1 and 11 more transcripts); c.2411A>G, p.Glu804Gly (NM_001407942.1, NM_001407944.1, NM_001407945.1 and 29 more transcripts); c.2408A>G, p.Glu803Gly (NM_001407943.1, NM_001407964.1, NM_001407740.1 and 20 more transcripts); c.2219A>G, p.Glu740Gly (NM_001407946.1, NM_001407947.1, NM_001407948.1 and 6 more transcripts); c.2216A>G, p.Glu739Gly (NM_001407954.1, NM_001407955.1, NM_001407956.1 and 1 more transcripts); and 41 more; short protein forms E851G, E804G, E555G, E683G, E724G, E824G, E723G, E762G.
Identifiers: ClinVar variation 629065 (VCV000629065.7), dbSNP rs1567795186, ClinGen allele CA10596888.
Genomic context (GRCh38, chr17:43,092,979, plus strand): 5'-GGAGCAAATGACTGGCGCTTTGAAACCTTGAATGTATTCTGCAAATACTGAGCATCAAGT[T>C]CACTTTCTTCCATTTCTATGCTTGTTTCCCGACTGTGGTTAACTTCATGTCCCAATGGAT-3'
Protein context (NP_009225.1, residues 841-861): RETSIEMEES[Glu851Gly]LDAQYLQNTF

ClinVar aggregate classification (germline): Conflicting classifications of pathogenicity. Review status: criteria provided, conflicting classifications (1 of 4 stars). 2 submissions from 2 submitters: Uncertain significance (1); Likely benign (1). Last evaluated 2024-12-29.

Conditions:
Hereditary cancer-predisposing syndrome. Also called: Neoplastic Syndromes, Hereditary; Tumor predisposition; Hereditary neoplastic syndrome; Hereditary Cancer Syndrome. Identifiers: Orphanet 140162, MedGen C0027672, MeSH D009386, MONDO:0015356.

Submissions (2):

Color Diagnostics, LLC DBA Color Health
Classification: Uncertain significance for Hereditary cancer-predisposing syndrome. Last evaluated: 2024-12-29. Review status: criteria provided, single submitter. Criteria: ACMG Guidelines, 2015. Collection method: clinical testing. Allele origin: germline.
Comment: This missense variant replaces glutamic acid with glycine at codon 851 of the BRCA1 protein. Computational prediction suggests that this variant may have deleterious impact on protein structure and function. However, this variant is located in a cold spot region where missense variants are unlikely to be pathogenic (PMID: 31911673). To our knowledge, functional studies have not been reported for this variant. This variant has not been reported in individuals affected with BRCA1-related disorders in the literature. This variant has not been identified in the general population by the Genome Aggregation Database (gnomAD). The available evidence is insufficient to determine the role of this variant in disease conclusively. Therefore, this variant is classified as a Variant of Uncertain Significance.

University of Washington Department of Laboratory Medicine, University of Washington
Classification: Likely benign for Hereditary cancer-predisposing syndrome. Last evaluated: 2023-03-23. Review status: criteria provided, single submitter. Criteria: Dines et al. (Genet Med. 2020). Collection method: curation. Allele origin: germline.
Comment: Missense variant in a coldspot region where missense variants are very unlikely to be pathogenic (PMID:31911673).

BRCA1 coldspot (exon 11 using historical exon numbering). Reclassification based on statistical prior probability

Literature cited by the submitters: PubMed 31911673 (cited by Color Diagnostics, LLC DBA Color Health).